The following is an entry in ClinVar:

NM_004618.5(TOP3A):c.524G>A (p.Arg175Gln)

Gene: TOP3A (DNA topoisomerase III alpha; minus strand). Cytogenetic location: 17p11.2.
Variant type: single nucleotide variant.
Coding change: c.524G>A on transcript NM_004618.5 (MANE Select); coding-DNA position 524, G replaced by A.
Protein change: p.Arg175Gln; replaces arginine 175 with glutamine.
Molecular consequence: missense variant.
Genome position (GRCh38, 1-based): chr17:18,302,699, C>T on the plus strand (G>A on the coding strand, the complement: TOP3A is on the minus strand). VCF-style: chr17-18302699-C-T. GRCh37 (hg19) VCF-style: chr17-18206013-C-T.
Other names: c.239G>A, p.Arg80Gln (NM_001320759.2); short protein forms R175Q, R80Q.
Identifiers: ClinVar variation 4282442 (VCV004282442.1).

ClinVar aggregate classification (germline): Uncertain significance (1 of 4 stars; one submission).

gnomAD v4.1: 17 of 1,613,950 alleles (0.0011%); highest among the groups gnomAD compares: East Asian, 0.027%; no homozygotes.

Submission:

GeneDx
Classification: Uncertain significance. Last evaluated: 2025-04-10. Review status: criteria provided, single submitter. Criteria: GeneDx Variant Classification Process June 2021. Collection method: clinical testing. Allele origin: germline. Affected: yes.
Comment: Not observed at significant frequency in large population cohorts (gnomAD); In silico analysis supports that this missense variant has a deleterious effect on protein structure/function; Has not been previously published as pathogenic or benign to our knowledge